The following is an entry in ClinVar:

ClinVar aggregate classification (germline): Benign/Likely benign. Review status: criteria provided, multiple submitters, no conflicts (2 of 4 stars). 3 submissions from 3 submitters: Benign (2); Likely benign (1). Last evaluated 2024-11-27.

Conditions:
Congenital erythropoietic porphyria. Also called: GUNTHER DISEASE; UROS DEFICIENCY; Cutaneous porphyria; Congenital porphyria; Günther disease; Uroporphyrinogen III synthase, deficiency of. Identifiers: Orphanet 79277, MedGen C5886774, MONDO:0009902, OMIM 263700.

Allele frequency attached by ClinVar (database versions not stated): 1000 Genomes Project 0.37320; TOPMed 0.39709; gnomAD exomes 0.46768; 1000 Genomes Project 30x 0.37149; gnomAD 0.41165 and 0.40901.

Submissions (3):

Blueprint Genetics
Classification: Likely benign. Last evaluated: 2024-11-27. Review status: criteria provided, single submitter. Criteria: ACMG Guidelines, 2015. Collection method: clinical testing. Allele origin: germline.

Illumina Laboratory Services, Illumina
Classification: Benign for Congenital erythropoietic porphyria. Last evaluated: 2018-01-12. Review status: criteria provided, single submitter. Criteria: ICSL Variant Classification Criteria 13 December 2019. Collection method: clinical testing. Allele origin: germline.
Comment: This variant was observed in the ICSL laboratory as part of a predisposition screen in an ostensibly healthy population. It had not been previously curated by ICSL or reported in the Human Gene Mutation Database (HGMD: prior to June 1st, 2018), and was therefore a candidate for classification through an automated scoring system. Utilizing variant allele frequency, disease prevalence and penetrance estimates, and inheritance mode, an automated score was calculated to assess if this variant is too frequent to cause the disease. Based on the score and internal cut-off values, a variant classified as benign is not then subjected to further curation. The score for this variant resulted in a classification of benign for this disease.

Breakthrough Genomics
Classification: Benign. Review status: criteria provided, single submitter. Criteria: ACMG Guidelines, 2015. Collection method: not provided. Allele origin: germline. Inheritance: Autosomal recessive inheritance. Affected: yes.

NM_000375.3(UROS):c.-185G>A

Gene: UROS (uroporphyrinogen III synthase; minus strand). Cytogenetic location: 10q26.2.
Variant type: single nucleotide variant.
Coding change: c.-185G>A on transcript NM_000375.3 (MANE Select); 185 bases upstream of the start codon, G replaced by A.
Molecular consequence: 5 prime UTR variant. On other transcripts: non-coding transcript variant (4).
Genome position (GRCh38, 1-based): chr10:125,823,187, C>T on the plus strand (G>A on the coding strand, the complement: UROS is on the minus strand). VCF-style: chr10-125823187-C-T. GRCh37 (hg19) VCF-style: chr10-127511756-C-T.
Other names: c.-185G>A (NM_001324036.2, NM_001324037.2, NM_001324038.2 and 1 more transcripts).
Identifiers: ClinVar variation 299198 (VCV000299198.7), dbSNP rs4256900, ClinGen allele CA10635217.